The following is an entry in ClinVar:

NM_001042492.3(NF1):c.2413G>A (p.Ala805Thr)

Gene: NF1 (neurofibromin 1; plus strand). Cytogenetic location: 17q11.2.
Variant type: single nucleotide variant.
Coding change: c.2413G>A on transcript NM_001042492.3 (MANE Select); coding-DNA position 2413, G replaced by A.
Protein change: p.Ala805Thr; replaces alanine 805 with threonine.
Molecular consequence: missense variant.
Genome position (GRCh38, 1-based): chr17:31,229,028, G>A. VCF-style: chr17-31229028-G-A. GRCh37 (hg19) VCF-style: chr17-29556046-G-A.
Other names: c.2413G>A, p.Ala805Thr (NM_000267.4); short protein forms A805T.
Identifiers: ClinVar variation 1328895 (VCV001328895.3), dbSNP rs2067064287, ClinGen allele CA398983799.

ClinVar aggregate classification (germline): Uncertain significance. Review status: criteria provided, multiple submitters, no conflicts (2 of 4 stars). 2 submissions from 2 submitters: Uncertain significance (2). Last evaluated 2025-07-30.

Conditions:
Neurofibromatosis, type 1 (NF1). Also called: Peripheral type neurofibromatosis; Neurofibromatosis, type I; VON RECKLINGHAUSEN DISEASE; NEUROFIBROMATOSIS, TYPE I, SOMATIC. Identifiers: Orphanet 636, MedGen C0027831, MONDO:0018975, OMIM 162200. Disease mechanism: loss of function.

Submissions (2):

Labcorp Genetics (formerly Invitae), Labcorp
Classification: Uncertain significance for Neurofibromatosis, type 1. Last evaluated: 2025-07-30. Review status: criteria provided, single submitter. Criteria: Invitae Variant Classification Sherloc (09022015). Collection method: clinical testing. Allele origin: germline.
Comment: This sequence change replaces alanine, which is neutral and non-polar, with threonine, which is neutral and polar, at codon 805 of the NF1 protein (p.Ala805Thr). This variant is not present in population databases (gnomAD no frequency). This variant has not been reported in the literature in individuals affected with NF1-related conditions. ClinVar contains an entry for this variant (Variation ID: 1328895). Invitae Evidence Modeling of protein sequence and biophysical properties (such as structural, functional, and spatial information, amino acid conservation, physicochemical variation, residue mobility, and thermodynamic stability) indicates that this missense variant is not expected to disrupt NF1 protein function with a negative predictive value of 95%. In summary, the available evidence is currently insufficient to determine the role of this variant in disease. Therefore, it has been classified as a Variant of Uncertain Significance.

GeneDx
Classification: Uncertain significance. Last evaluated: 2021-06-16. Review status: criteria provided, single submitter. Criteria: GeneDx Variant Classification Process June 2021. Collection method: clinical testing. Allele origin: germline. Affected: yes.
Comment: Not observed at significant frequency in large population cohorts (Lek 2016); In silico analysis supports that this missense variant does not alter protein structure/function; Has not been previously published as pathogenic or benign to our knowledge; This variant is associated with the following publications: (PMID: 25486365, 27535533)